The following is an entry in ClinVar:

ClinVar aggregate classification (germline): Pathogenic (1 of 4 stars; one submission).

Conditions:
Choanal atresia-athelia-hypothyroidism-delayed puberty-short stature syndrome (BCAHH). Also called: BRANCHIAL ARCH ABNORMALITIES, CHOANAL ATRESIA, ATHELIA, HEARING LOSS, AND HYPOTHYROIDISM SYNDROME. Identifiers: Orphanet 589856, MedGen C5680310, MONDO:0035651, OMIM 620186.

Submission:

Medical Genetics and Prenatal Diagnosis Center, Guangxi Academy of Medical Sciences and the People’s Hospital of Guangxi Zhuang Autonomous Region
Classification: Pathogenic for Choanal atresia-athelia-hypothyroidism-delayed puberty-short stature syndrome. Review status: criteria provided, single submitter. Criteria: ACMG Guidelines, 2015. Collection method: clinical testing. Allele origin: de novo. Affected: yes.
Comment: NM_003482.4(KMT2D):c.2758del is a frameshift deletion predicted to cause premature termination of protein synthesis. This variant disrupts the open reading frame and is predicted to result in a truncated protein product and loss of normal gene function (PVS1); this variant is a de novo variant validated by family analysis (PS2_Supporting); this variant was not detected in the 1000 Genomes Project (1000G), the China Genome Database, the Exome Aggregation Consortium (ExAC), or the Genome Aggregation Database (gnomAD) (PM2_Supporting). In summary, based on the ACMG Guidelines, 2015 (PMID: 25741868), the above evidence supports this variant as Pathogenic for Branchial arch abnormalities, choanal atresia, athelia, hearing loss, and hypothyroidism syndrome, classified as PVS1, PS2_Supporting, and PM2_Supporting.

NM_003482.4(KMT2D):c.2758del (p.Ser920fs)

Gene: KMT2D (lysine methyltransferase 2D; minus strand). Cytogenetic location: 12q13.12.
Variant type: Deletion.
Coding change: c.2758del on transcript NM_003482.4 (MANE Select); coding-DNA position 2758, one base deleted (T; older notation c.2758delT).
Protein change: p.Ser920fs; shifts the reading frame from serine 920.
Molecular consequence: frameshift variant.
Genome position (GRCh38, 1-based): chr12:49,050,925, A deleted on the plus strand (T on the coding strand, the reverse complement: KMT2D is on the minus strand). VCF-style (leftmost placement, unchanged base first): chr12-49050924-GA-G. GRCh37 (hg19) VCF-style: chr12-49444707-GA-G.
Other names: short protein forms S920fs.
Identifiers: ClinVar variation 4539826 (VCV004539826.1).